The following is an entry in ClinVar:

NM_021116.4(ADCY1):c.1717T>G (p.Leu573Val)

Gene: ADCY1 (adenylate cyclase 1; plus strand). Cytogenetic location: 7p12.3.
Variant type: single nucleotide variant.
Coding change: c.1717T>G on transcript NM_021116.4 (MANE Select); coding-DNA position 1717, T replaced by G.
Protein change: p.Leu573Val; replaces leucine 573 with valine.
Molecular consequence: missense variant.
Genome position (GRCh38, 1-based): chr7:45,677,980, T>G. VCF-style: chr7-45677980-T-G. GRCh37 (hg19) VCF-style: chr7-45717579-T-G.
Other names: short protein forms L573V.
Identifiers: ClinVar variation 4778081 (VCV004778081.1).

ClinVar aggregate classification (germline): Uncertain significance (1 of 4 stars; one submission).

gnomAD v4.1: 6 of 1,614,216 alleles (0.00037%); highest among the groups gnomAD compares: Admixed American, 0.0017%; no homozygotes.

Submission:

Labcorp Genetics (formerly Invitae), Labcorp
Classification: Uncertain significance. Last evaluated: 2025-04-08. Review status: criteria provided, single submitter. Criteria: Invitae Variant Classification Sherloc (09022015). Collection method: clinical testing. Allele origin: germline.
Comment: This sequence change replaces leucine, which is neutral and non-polar, with valine, which is neutral and non-polar, at codon 573 of the ADCY1 protein (p.Leu573Val). This variant is present in population databases (rs767043187, gnomAD 0.003%). This variant has not been reported in the literature in individuals affected with ADCY1-related conditions. Invitae Evidence Modeling of protein sequence and biophysical properties (such as structural, functional, and spatial information, amino acid conservation, physicochemical variation, residue mobility, and thermodynamic stability) indicates that this missense variant is expected to disrupt ADCY1 protein function with a positive predictive value of 80%. In summary, the available evidence is currently insufficient to determine the role of this variant in disease. Therefore, it has been classified as a Variant of Uncertain Significance.